The following is an entry in ClinVar:

ClinVar aggregate classification (germline): Uncertain significance (1 of 4 stars; one submission).

Conditions:
Catecholaminergic polymorphic ventricular tachycardia 1. Also called: VENTRICULAR TACHYCARDIA, STRESS-INDUCED POLYMORPHIC 1; VENTRICULAR TACHYCARDIA, CATECHOLAMINERGIC POLYMORPHIC, 1, WITH OR WITHOUT ATRIAL DYSFUNCTION AND/OR DILATED CARDIOMYOPATHY; RYR2-Related Catecholaminergic Polymorphic Ventricular Tachycardia. Identifiers: Orphanet 3286, MedGen C1631597, MONDO:0011484, OMIM 604772.

Allele frequency attached by ClinVar (database versions not stated): gnomAD exomes below 0.00001; ExAC 0.00001; gnomAD 0.00001; TOPMed 0.00001.
gnomAD v4.1: 7 of 1,613,194 alleles (0.00043%); highest among the groups gnomAD compares: Non-Finnish European, 0.00059%; no homozygotes.

Submission:

Labcorp Genetics (formerly Invitae), Labcorp
Classification: Uncertain significance for Catecholaminergic polymorphic ventricular tachycardia 1. Last evaluated: 2025-09-05. Review status: criteria provided, single submitter. Criteria: Invitae Variant Classification Sherloc (09022015). Collection method: clinical testing. Allele origin: germline.
Comment: This sequence change replaces alanine, which is neutral and non-polar, with valine, which is neutral and non-polar, at codon 1514 of the RYR2 protein (p.Ala1514Val). The frequency data for this variant in the population databases is considered unreliable, as metrics indicate poor data quality at this position in the gnomAD database. This variant has not been reported in the literature in individuals affected with RYR2-related conditions. ClinVar contains an entry for this variant (Variation ID: 2202655). Invitae Evidence Modeling of protein sequence and biophysical properties (such as structural, functional, and spatial information, amino acid conservation, physicochemical variation, residue mobility, and thermodynamic stability) indicates that this missense variant is not expected to disrupt RYR2 protein function with a negative predictive value of 95%. In summary, the available evidence is currently insufficient to determine the role of this variant in disease. Therefore, it has been classified as a Variant of Uncertain Significance.

NM_001035.3(RYR2):c.4541C>T (p.Ala1514Val)

Gene: RYR2 (ryanodine receptor 2; plus strand). Cytogenetic location: 1q43.
Variant type: single nucleotide variant.
Coding change: c.4541C>T on transcript NM_001035.3 (MANE Select); coding-DNA position 4541, C replaced by T.
Protein change: p.Ala1514Val; replaces alanine 1514 with valine.
Molecular consequence: missense variant.
Genome position (GRCh38, 1-based): chr1:237,595,602, C>T. VCF-style: chr1-237595602-C-T. GRCh37 (hg19) VCF-style: chr1-237758902-C-T.
Other names: short protein forms A1514V.
Identifiers: ClinVar variation 2202655 (VCV002202655.4), dbSNP rs760181200, ClinGen allele CA086634.
Genomic context (GRCh38, chr1:237,595,602, plus strand): 5'-TGAGCCCCGGGCAAGGACGCAACAATAATGGACTGGAGATTGGCTGTGTGGTGGATGCTG[C>T]CAGCGGGCTGCTCACATTCATTGCCAATGGCAAGGAACTGAGCACATACTATCAGGTACG-3'
Protein context (NP_001026.2, residues 1504-1524): GLEIGCVVDA[Ala1514Val]SGLLTFIANG